The following is an entry in ClinVar:

NM_003793.4(CTSF):c.329_347del (p.Val110fs)

Gene: CTSF (cathepsin F; minus strand). Cytogenetic location: 11q13.2.
Variant type: Deletion.
Coding change: c.329_347del on transcript NM_003793.4 (MANE Select); coding-DNA positions 329 to 347, 19 bases deleted (TCCTGGATGAGCTCGGAAG).
Protein change: p.Val110fs; shifts the reading frame from valine 110.
Molecular consequence: frameshift variant.
Genome position (GRCh38, 1-based): chr11:66,567,628-66,567,646, CTTCCGAGCTCATCCAGGA deleted on the plus strand (TCCTGGATGAGCTCGGAAG on the coding strand, the reverse complement: CTSF is on the minus strand); deleting any 19 consecutive bases within chr11:66,567,628-66,567,649 gives the same sequence; the c. name uses the placement nearest the transcript's 3' end. VCF-style (leftmost placement, unchanged base first): chr11-66567627-TCTTCCGAGCTCATCCAGGA-T. GRCh37 (hg19) VCF-style: chr11-66335098-TCTTCCGAGCTCATCCAGGA-T.
Other names: short protein forms V110fs.
Identifiers: ClinVar variation 3711871 (VCV003711871.2).
Genomic context (GRCh38, chr11:66,567,627, plus strand): 5'-CTCCCCAGCACCTGGAACCTTGGTGTCCACTGGGCCACAGTCCTTCCGCAGCAGCACGTG[TCTTCCGAGCTCATCCAGGA>T]CTTGGAAGCTGCAGAGCTGGAGGGAGAGGAAGAAGCTGCTCTGGGGGCCTGGATCTGGAT-3'

ClinVar aggregate classification (germline): Pathogenic (1 of 4 stars; one submission).

Conditions:
Neuronal ceroid lipofuscinosis 13 (CLN13). Also called: CLN13 Disease; CEROID LIPOFUSCINOSIS, NEURONAL, 13 (KUFS TYPE). Identifiers: Orphanet 352709, Orphanet 79262, MedGen C3715049, MONDO:0014147, OMIM 615362.

Submission:

Labcorp Genetics (formerly Invitae), Labcorp
Classification: Pathogenic for Neuronal ceroid lipofuscinosis 13. Last evaluated: 2024-11-01. Review status: criteria provided, single submitter. Criteria: Invitae Variant Classification Sherloc (09022015). Collection method: clinical testing. Allele origin: germline.
Comment: This sequence change creates a premature translational stop signal (p.Val110Aspfs*32) in the CTSF gene. It is expected to result in an absent or disrupted protein product. Loss-of-function variants in CTSF are known to be pathogenic (PMID: 23297359, 25274848). This variant is present in population databases (rs750490993, gnomAD 0.0009%). This variant has not been reported in the literature in individuals affected with CTSF-related conditions. For these reasons, this variant has been classified as Pathogenic.

Literature cited by the submitters: PubMed 23297359; PubMed 25274848.